The following is an entry in ClinVar:

NM_002430.3(MN1):c.3835C>T (p.Gln1279Ter)

Gene: MN1 (MN1 proto-oncogene, transcriptional regulator; minus strand). Cytogenetic location: 22q12.1.
Variant type: single nucleotide variant.
Coding change: c.3835C>T on transcript NM_002430.3 (MANE Select); coding-DNA position 3835, C replaced by T.
Protein change: p.Gln1279Ter; replaces glutamine 1279 with a stop codon.
Molecular consequence: nonsense.
Genome position (GRCh38, 1-based): chr22:27,751,043, G>A on the plus strand (C>T on the coding strand, the complement: MN1 is on the minus strand). VCF-style: chr22-27751043-G-A. GRCh37 (hg19) VCF-style: chr22-28147031-G-A.
Other names: short protein forms Q1279*.
Identifiers: ClinVar variation 812563 (VCV000812563.2), dbSNP rs1601319598, ClinGen allele CA411033555.

ClinVar aggregate classification (germline): Pathogenic. Review status: criteria provided, single submitter (1 of 4 stars). 2 submissions from 2 submitters: Pathogenic (1). 1 of the submissions does not count toward it. Last evaluated 2020-07-29.

Conditions:
CEBALID syndrome (CEBALID). Also called: MN1 C-TERMINAL TRUNCATION SYNDROME; CRANIOFACIAL DEFECTS, DYSMORPHIC EARS, STRUCTURAL BRAIN ABNORMALITIES, EXPRESSIVE LANGUAGE DELAY, AND IMPAIRED INTELLECTUAL DEVELOPMENT. Identifiers: Orphanet 693549, MedGen C5394044, MONDO:0032908, OMIM 618774.

Submissions (2):

SIB Swiss Institute of Bioinformatics
Classification: Pathogenic for CEBALID syndrome. Last evaluated: 2020-07-29. Review status: criteria provided, single submitter. Criteria: ACMG Guidelines, 2015. Collection method: curation. Allele origin: unknown.
Comment: This variant is interpreted as Pathogenic for CEBALID syndrome, autosomal dominant. The following ACMG Tag(s) were applied: Absent from controls (or at extremely low frequency if recessive) in Exome Sequencing Project, 1000 Genomes Project, or Exome Aggregation Consortium (PM2); Located in a mutational hot spot and/or critical and well-established functional domain (e.g., active site of an enzyme) without benign variation (PM1); Protein length changes as a result of in-frame deletions/insertions in a nonrepeat region or stop-loss variants (PM4); De novo (paternity and maternity confirmed) (PS2).

OMIM
Classification: Pathogenic for CEBALID SYNDROME. Last evaluated: 2020-02-14. Review status: no assertion criteria provided. Collection method: literature only. Allele origin: germline. Not counted in ClinVar's aggregate classification.

Literature cited by the submitters: PubMed 31839203 (cited by SIB Swiss Institute of Bioinformatics and OMIM).